The following is an entry in ClinVar:

ClinVar aggregate classification (germline): Uncertain significance (1 of 4 stars; one submission).

Allele frequency attached by ClinVar (database versions not stated): gnomAD exomes below 0.00001.
gnomAD v4.1: 1 of 1,601,576 alleles (0.000062%); highest among the groups gnomAD compares: Non-Finnish European, 0.000085%; no homozygotes.

Submission:

Labcorp Genetics (formerly Invitae), Labcorp
Classification: Uncertain significance. Last evaluated: 2019-08-23. Review status: criteria provided, single submitter. Criteria: Invitae Variant Classification Sherloc (09022015). Collection method: clinical testing. Allele origin: germline.
Comment: In summary, the available evidence is currently insufficient to determine the role of this variant in disease. Therefore, it has been classified as a Variant of Uncertain Significance. Algorithms developed to predict the effect of missense changes on protein structure and function are either unavailable or do not agree on the potential impact of this missense change (SIFT: "Deleterious"; PolyPhen-2: "Benign"; Align-GVGD: "Class C0"). This variant has not been reported in the literature in individuals with IFT81-related conditions. This variant is not present in population databases (ExAC no frequency). This sequence change replaces glutamine with lysine at codon 577 of the IFT81 protein (p.Gln577Lys). The glutamine residue is highly conserved and there is a small physicochemical difference between glutamine and lysine.

NM_014055.4(IFT81):c.1729C>A (p.Gln577Lys)

Gene: IFT81 (intraflagellar transport 81; plus strand). Cytogenetic location: 12q24.11.
Variant type: single nucleotide variant.
Coding change: c.1729C>A on transcript NM_014055.4 (MANE Select); coding-DNA position 1729, C replaced by A.
Protein change: p.Gln577Lys; replaces glutamine 577 with lysine.
Molecular consequence: missense variant. On other transcripts: non-coding transcript variant (4).
Genome position (GRCh38, 1-based): chr12:110,205,607, C>A. VCF-style: chr12-110205607-C-A. GRCh37 (hg19) VCF-style: chr12-110643412-C-A.
Other names: c.1729C>A, p.Gln577Lys (NM_001143779.2); c.799C>A, p.Gln267Lys (NM_001347947.2, NM_001347948.2); short protein forms Q577K, Q267K.
Identifiers: ClinVar variation 953208 (VCV000953208.9), dbSNP rs1405960067, ClinGen allele CA386909356.